The following is an entry in ClinVar:

NM_130837.3(OPA1):c.1976A>T (p.Glu659Val)

Gene: OPA1 (OPA1 mitochondrial dynamin like GTPase; plus strand). Cytogenetic location: 3q29.
Variant type: single nucleotide variant.
Coding change: c.1976A>T on transcript NM_130837.3 (MANE Select); coding-DNA position 1976, A replaced by T.
Protein change: p.Glu659Val; replaces glutamic acid 659 with valine.
Molecular consequence: missense variant.
Genome position (GRCh38, 1-based): chr3:193,648,835, A>T. VCF-style: chr3-193648835-A-T. GRCh37 (hg19) VCF-style: chr3-193366624-A-T.
Other names: c.1703A>T, p.Glu568Val (NM_130831.3); c.1757A>T, p.Glu586Val (NM_130832.3); c.1814A>T, p.Glu605Val (NM_130833.3); c.1865A>T, p.Glu622Val (NM_130834.3); c.1868A>T, p.Glu623Val (NM_130835.3); c.1922A>T, p.Glu641Val (NM_130836.3); c.1442A>T, p.Glu481Val (NM_001354663.2); c.1439A>T, p.Glu480Val (NM_001354664.2); and 1 more; short protein forms E480V, E481V, E568V, E586V, E604V, E605V, E622V, E623V.
Identifiers: ClinVar variation 2628046 (VCV002628046.4), dbSNP rs983636363, ClinGen allele CA90537854.
Genomic context (GRCh38, chr3:193,648,835, plus strand): 5'-CTTGTATTTATATTGCCTAGAATGAACTATTTGAAAAAGCTAAAAATGAAATCCTTGATG[A>T]AGTTATCAGTCTGAGCCAGGTTACACCAAAACATTGGTAAGTATTTGATATTAATCTCTT-3'
Protein context (NP_570850.2, residues 649-669): FEKAKNEILD[Glu659Val]VISLSQVTPK

ClinVar aggregate classification (germline): Uncertain significance. Review status: criteria provided, multiple submitters, no conflicts (2 of 4 stars). 2 submissions from 2 submitters: Uncertain significance (2). Last evaluated 2024-04-03.

Conditions:
Retinitis pigmentosa (RP). Identifiers: Orphanet 791, MedGen C0035334, MeSH D012174, MONDO:0019200, OMIM 268000. Inheritance: Autosomal dominant, autosomal recessive and X linked inheritance.

Allele frequency attached by ClinVar (database versions not stated): gnomAD exomes below 0.00001.
gnomAD v4.1: 1 of 1,609,578 alleles (0.000062%); highest among the groups gnomAD compares: Non-Finnish European, 0.000085%; no homozygotes.

Submissions (2):

Labcorp Genetics (formerly Invitae), Labcorp
Classification: Uncertain significance. Last evaluated: 2024-04-03. Review status: criteria provided, single submitter. Criteria: Invitae Variant Classification Sherloc (09022015). Collection method: clinical testing. Allele origin: germline.
Comment: This sequence change replaces glutamic acid, which is acidic and polar, with valine, which is neutral and non-polar, at codon 604 of the OPA1 protein (p.Glu604Val). This variant is not present in population databases (gnomAD no frequency). This missense change has been observed in individual(s) with optic atrophy (PMID: 33841295). ClinVar contains an entry for this variant (Variation ID: 2628046). Advanced modeling of protein sequence and biophysical properties (such as structural, functional, and spatial information, amino acid conservation, physicochemical variation, residue mobility, and thermodynamic stability) has been performed at Invitae for this missense variant, however the output from this modeling did not meet the statistical confidence thresholds required to predict the impact of this variant on OPA1 protein function. In summary, the available evidence is currently insufficient to determine the role of this variant in disease. Therefore, it has been classified as a Variant of Uncertain Significance.

DBGen Ocular Genomics
Classification: Uncertain significance for Retinitis pigmentosa. Last evaluated: 2022-01-01. Review status: criteria provided, single submitter. Criteria: ACMG Guidelines, 2015. Collection method: clinical testing. Allele origin: unknown. Inheritance: Autosomal dominant inheritance. Affected: yes.
Comment: Class 3 ACMG Guidelines, 2015

Literature cited by the submitters: PubMed 33841295 (cited by Labcorp Genetics (formerly Invitae), Labcorp).